The following is an entry in ClinVar:

ClinVar aggregate classification (germline): Uncertain significance. Review status: criteria provided, multiple submitters, no conflicts (2 of 4 stars). 2 submissions from 2 submitters: Uncertain significance (2). Last evaluated 2026-03-01.

Conditions:
Long QT syndrome (LQTS). Identifiers: MedGen C0023976, MeSH D008133, MONDO:0002442. Disease mechanism: loss of function. Inheritance: Various modes of inheritance.

Allele frequency attached by ClinVar (database versions not stated): gnomAD exomes 0.00001; TOPMed 0.00001; ExAC 0.00003.
gnomAD v4.1: 5 of 1,614,138 alleles (0.00031%); highest among the groups gnomAD compares: Admixed American, 0.0083%; no homozygotes.

Submissions (2):

CeGaT Center for Human Genetics Tuebingen
Classification: Uncertain significance. Last evaluated: 2026-03-01. Review status: criteria provided, single submitter. Criteria: CeGaT Center For Human Genetics Tuebingen Variant Classification Criteria Version 2. Collection method: clinical testing. Allele origin: germline. Affected: yes. Observed: 1 variant allele.
Comment: ANK2: PM2, BP4

Labcorp Genetics (formerly Invitae), Labcorp
Classification: Uncertain significance for Long QT syndrome. Last evaluated: 2023-12-05. Review status: criteria provided, single submitter. Criteria: Invitae Variant Classification Sherloc (09022015). Collection method: clinical testing. Allele origin: germline.
Comment: This sequence change replaces valine, which is neutral and non-polar, with leucine, which is neutral and non-polar, at codon 1963 of the ANK2 protein (p.Val1963Leu). This variant is present in population databases (rs771735662, gnomAD 0.01%). This variant has not been reported in the literature in individuals affected with ANK2-related conditions. An algorithm developed to predict the effect of missense changes on protein structure and function (PolyPhen-2) suggests that this variant is likely to be tolerated. In summary, the available evidence is currently insufficient to determine the role of this variant in disease. Therefore, it has been classified as a Variant of Uncertain Significance.

NM_001148.6(ANK2):c.5887G>T (p.Val1963Leu)

Genes: ANK2 (ankyrin 2; plus strand), LOC126807136 (MED14-independent group 3 enhancer GRCh37_chr4:114274931-114276130; plus strand). Cytogenetic location: 4q26.
Variant type: single nucleotide variant.
Coding change: c.5887G>T on transcript NM_001148.6 (MANE Select); coding-DNA position 5887, G replaced by T.
Protein change: p.Val1963Leu; replaces valine 1963 with leucine.
Molecular consequence: missense variant. On other transcripts: intron variant (68).
Genome position (GRCh38, 1-based): chr4:113,354,505, G>T. VCF-style: chr4-113354505-G-T. GRCh37 (hg19) VCF-style: chr4-114275661-G-T.
Other names: c.5653G>T, p.Val1885Leu (NM_001386142.1); c.2287G>T, p.Val763Leu (NM_001386166.1); c.6028G>T, p.Val2010Leu (NM_001386174.1); c.6004G>T, p.Val2002Leu (NM_001386175.1); c.4411+4256G>T (NM_001386186.2, NM_001386148.2); c.4213+4256G>T (NM_001354269.3); c.4291+4256G>T (NM_001386187.2); c.4252+4256G>T (NM_001386147.1); and 35 more; short protein forms V2002L, V1885L, V1963L, V763L, V2010L.
Identifiers: ClinVar variation 2739195 (VCV002739195.7), dbSNP rs771735662, ClinGen allele CA3051324.